The following is an entry in ClinVar:

ClinVar aggregate classification (germline): Likely benign (1 of 4 stars; one submission).

Conditions:
Malignant hyperthermia, susceptibility to, 5 (MHS5). Also called: CACNA1S-Related Malignant Hyperthermia Susceptibility. Identifiers: Orphanet 423, MedGen C1866077, MONDO:0011163, OMIM 601887.

Allele frequency attached by ClinVar (database versions not stated): gnomAD exomes below 0.00001.
gnomAD v4.1: 1 of 1,614,002 alleles (0.000062%); highest among the groups gnomAD compares: Non-Finnish European, 0.000085%; no homozygotes.

Submission:

All of Us Research Program, National Institutes of Health
Classification: Likely benign for Malignant hyperthermia, susceptibility to, 5. Last evaluated: 2023-11-02. Review status: criteria provided, single submitter. Criteria: ACMG Guidelines, 2015. Collection method: clinical testing. Allele origin: germline. Inheritance: Autosomal dominant inheritance. Observed: 2 variant alleles, 2 heterozygotes.
Comment: This study involves interpretation of variants in research participants for the purpose of population health screening. Participant phenotype was not available at the time of variant classification. Additional details can be found in publication PMID: 35346344, PMCID: PMC8962531

NM_000069.3(CACNA1S):c.2898G>A (p.Glu966=)

Gene: CACNA1S (calcium voltage-gated channel subunit alpha1 S; minus strand). Cytogenetic location: 1q32.1.
Variant type: single nucleotide variant.
Coding change: c.2898G>A on transcript NM_000069.3 (MANE Select); coding-DNA position 2898, G replaced by A.
Protein change: p.Glu966=; no amino-acid change (glutamic acid 966 retained).
Molecular consequence: synonymous variant.
Genome position (GRCh38, 1-based): chr1:201,062,470, C>T on the plus strand (G>A on the coding strand, the complement: CACNA1S is on the minus strand). VCF-style: chr1-201062470-C-T. GRCh37 (hg19) VCF-style: chr1-201031598-C-T.
Identifiers: ClinVar variation 3072835 (VCV003072835.1), dbSNP rs2464503866, ClinGen allele CA422720521.